The following is an entry in ClinVar:

NM_004369.4(COL6A3):c.8860C>T (p.Pro2954Ser)

Gene: COL6A3 (collagen type VI alpha 3 chain; minus strand). Cytogenetic location: 2q37.3.
Variant type: single nucleotide variant.
Coding change: c.8860C>T on transcript NM_004369.4 (MANE Select); coding-DNA position 8860, C replaced by T.
Protein change: p.Pro2954Ser; replaces proline 2954 with serine.
Molecular consequence: missense variant.
Genome position (GRCh38, 1-based): chr2:237,336,240, G>A on the plus strand (C>T on the coding strand, the complement: COL6A3 is on the minus strand). VCF-style: chr2-237336240-G-A. GRCh37 (hg19) VCF-style: chr2-238244883-G-A.
Other names: c.7039C>T, p.Pro2347Ser (NM_057166.5); c.8242C>T, p.Pro2748Ser (NM_057167.4); short protein forms P2748S, P2347S, P2954S.
Identifiers: ClinVar variation 1960838 (VCV001960838.8), dbSNP rs916143029, ClinGen allele CA67830434.
Genomic context (GRCh38, chr2:237,336,240, plus strand): 5'-CCTGTGGCCTAGGGACCTCAGGCTTGGTCGCCACTGGTTTTGCAGCAGCAGCAGCGGGGG[G>A]TCTTACAGCTGCTGGCTTTGCTGCTACAGGCTTCGCTGCCGTTGCTGGCTTCACCGCCAC-3'
Protein context (NP_004360.2, residues 2944-2964): PVAAKPAAVR[Pro2954Ser]PAAAAAKPVA

ClinVar aggregate classification (germline): Uncertain significance. Review status: criteria provided, multiple submitters, no conflicts (2 of 4 stars). 4 submissions from 4 submitters: Uncertain significance (4). Last evaluated 2025-11-25.

Conditions:
Inborn genetic diseases. Identifiers: MedGen C0950123, MeSH D030342.
Bethlem myopathy 1A. Also called: MYOPATHY, BENIGN CONGENITAL, WITH CONTRACTURES; Bethlem myopathy 1; Bethlem Muscular Dystrophy. Identifiers: Orphanet 610, MedGen CN029274, MONDO:0024530, OMIM 158810.

gnomAD v4.1: 5 of 1,614,004 alleles (0.00031%); highest among the groups gnomAD compares: Admixed American, 0.0017%; no homozygotes.

Submissions (4):

Women's Health and Genetics/Laboratory Corporation of America, LabCorp
Classification: Uncertain significance. Last evaluated: 2025-11-25. Review status: criteria provided, single submitter. Criteria: LabCorp Variant Classification Summary - May 2015. Collection method: clinical testing. Allele origin: germline.
Comment: Variant summary: COL6A3 c.8860C>T (p.Pro2954Ser) results in a non-conservative amino acid change in the encoded protein sequence. Algorithms developed to predict the effect of missense changes on protein structure and function are either unavailable or do not agree on the potential impact of this missense change. The variant allele was found at a frequency of 4e-06 in 250410 control chromosomes. The available data on variant occurrences in the general population are insufficient to allow any conclusion about variant significance. To our knowledge, no occurrence of c.8860C>T in individuals affected with COL6A3-related conditions and no experimental evidence demonstrating its impact on protein function have been reported. ClinVar contains an entry for this variant (Variation ID: 1960838). Based on the evidence outlined above, the variant was classified as uncertain significance.

Labcorp Genetics (formerly Invitae), Labcorp
Classification: Uncertain significance for Bethlem myopathy 1A. Last evaluated: 2025-03-17. Review status: criteria provided, single submitter. Criteria: Invitae Variant Classification Sherloc (09022015). Collection method: clinical testing. Allele origin: germline.
Comment: This sequence change replaces proline, which is neutral and non-polar, with serine, which is neutral and polar, at codon 2954 of the COL6A3 protein (p.Pro2954Ser). This variant is present in population databases (no rsID available, gnomAD 0.005%). This variant has not been reported in the literature in individuals affected with COL6A3-related conditions. ClinVar contains an entry for this variant (Variation ID: 1960838). Invitae Evidence Modeling of protein sequence and biophysical properties (such as structural, functional, and spatial information, amino acid conservation, physicochemical variation, residue mobility, and thermodynamic stability) indicates that this missense variant is not expected to disrupt COL6A3 protein function with a negative predictive value of 95%. In summary, the available evidence is currently insufficient to determine the role of this variant in disease. Therefore, it has been classified as a Variant of Uncertain Significance.

Blueprint Genetics
Classification: Uncertain significance. Last evaluated: 2024-10-18. Review status: criteria provided, single submitter. Criteria: ACMG Guidelines, 2015. Collection method: clinical testing. Allele origin: germline.

Ambry Genetics
Classification: Uncertain significance for Inborn genetic diseases. Last evaluated: 2022-05-26. Review status: criteria provided, single submitter. Criteria: Ambry Variant Classification Scheme 2023. Collection method: clinical testing. Allele origin: germline.